The following is an entry in ClinVar:

NM_002471.4(MYH6):c.5796+4G>A

Gene: MYH6 (myosin heavy chain 6; minus strand). Cytogenetic location: 14q11.2.
Variant type: single nucleotide variant.
Coding change: c.5796+4G>A on transcript NM_002471.4 (MANE Select); 4 bases into the intron after coding-DNA position 5796, G replaced by A.
Molecular consequence: intron variant.
Genome position (GRCh38, 1-based): chr14:23,382,424, C>T on the plus strand (G>A on the coding strand, the complement: MYH6 is on the minus strand). VCF-style: chr14-23382424-C-T. GRCh37 (hg19) VCF-style: chr14-23851633-C-T.
Identifiers: ClinVar variation 1749678 (VCV001749678.4), dbSNP rs774470143, ClinGen allele CA7114282.
Genomic context (GRCh38, chr14:23,382,424, plus strand): 5'-GGCACCCATATCAGGGGGCATGCTAATGTGGAAGTGACTAGTGAAGCCCAGGGGAGGGAC[C>T]CACCTTGGCACCAATGTCACGGCTCTTGGCTCGAAGCTTGTTGACCTGGGACTCAGCGAT-3'

ClinVar aggregate classification (germline): Conflicting classifications of pathogenicity. Review status: criteria provided, conflicting classifications (1 of 4 stars). 2 submissions from 2 submitters: Uncertain significance (1); Likely benign (1). Last evaluated 2025-07-31.

Conditions:
Cardiovascular phenotype. Identifiers: MedGen CN230736.

Allele frequency attached by ClinVar (database versions not stated): ExAC 0.00001; gnomAD 0.00001; gnomAD exomes 0.00001; TOPMed 0.00001.

Submissions (2):

Ambry Genetics
Classification: Uncertain significance for Cardiovascular phenotype. Last evaluated: 2025-07-31. Review status: criteria provided, single submitter. Criteria: Ambry Variant Classification Scheme 2023. Collection method: clinical testing. Allele origin: germline.
Comment: The c.5796+4G>A intronic variant results from a G to A substitution 4 nucleotides after coding exon 36 in the MYH6 gene. This nucleotide position is not well conserved in available vertebrate species. In silico splice site analysis predicts that this alteration will not have any significant effect on splicing. Since supporting evidence is limited at this time, the clinical significance of this alteration remains unclear.

Blueprint Genetics
Classification: Likely benign. Last evaluated: 2024-09-04. Review status: criteria provided, single submitter. Criteria: ACMG Guidelines, 2015. Collection method: clinical testing. Allele origin: germline.